The following is an entry in ClinVar:

ClinVar aggregate classification (germline): Likely pathogenic (1 of 4 stars; one submission).

Conditions:
SCN1A-related disorder. Also called: SCN1A-related conditions; SCN1A-related condition; SCN1A-related disorders.

Submission:

3billion
Classification: Likely pathogenic for SCN1A-related disorder. Last evaluated: 2024-07-07. Review status: criteria provided, single submitter. Criteria: ACMG Guidelines, 2015. Collection method: clinical testing. Allele origin: germline. Affected: yes.
Comment: The variant is not observed in the gnomAD v4.0.0 dataset. Predicted Consequence/Location: Frameshift: predicted to result in a loss or disruption of normal protein function through nonsense-mediated decay (NMD) or protein truncation. Multiple pathogenic variants are reported downstream of the variant. Therefore, this variant is classified as Likely pathogenic according to the recommendation of ACMG/AMP guideline.

NM_001165963.4(SCN1A):c.79del (p.Arg27fs)

Gene: SCN1A (sodium voltage-gated channel alpha subunit 1; minus strand). Cytogenetic location: 2q24.3.
Variant type: Deletion.
Coding change: c.79del on transcript NM_001165963.4 (MANE Select); coding-DNA position 79, one base deleted (A; older notation c.79delA).
Protein change: p.Arg27fs; shifts the reading frame from arginine 27.
Molecular consequence: frameshift variant. On other transcripts: 5 prime UTR variant (1), non-coding transcript variant (1).
Genome position (GRCh38, 1-based): chr2:166,073,543, T deleted on the plus strand (A on the coding strand, the reverse complement: SCN1A is on the minus strand); the first of 3 consecutive T bases (chr2:166,073,543-166,073,545); deleting any one gives the same sequence. VCF-style (leftmost placement, unchanged base first): chr2-166073542-CT-C. GRCh37 (hg19) VCF-style: chr2-166930052-CT-C.
Other names: c.79del, p.Arg27fs (NM_001165964.3, NM_001202435.3, NM_001353948.2 and 10 more transcripts); c.-2347del (NM_001353961.2); short protein forms R27fs.
Identifiers: ClinVar variation 4293845 (VCV004293845.1).